The following is an entry in ClinVar:

ClinVar aggregate classification (germline): Likely benign. Review status: criteria provided, multiple submitters, no conflicts (2 of 4 stars). 2 submissions from 2 submitters: Likely benign (2). Last evaluated 2026-06-23.

Conditions:
SH3TC2-related disorder. Also called: SH3TC2-related condition; SH3TC2-related disorders. Identifiers: MedGen CN239303.
Charcot-Marie-Tooth disease type 4. Also called: Charcot-Marie-Tooth, Type 4; Charcot-Marie-Tooth disease, type IV. Identifiers: Orphanet 64749, MedGen C4082197, MONDO:0018995.

Allele frequency attached by ClinVar (database versions not stated): gnomAD exomes below 0.00001; TOPMed 0.00002; gnomAD 0.00003 and 0.00004.
gnomAD v4.1: 10 of 1,614,092 alleles (0.00062%); highest among the groups gnomAD compares: African/African-American, 0.0013%; no homozygotes.

Submissions (2):

PreventionGenetics, part of Exact Sciences
Classification: Likely benign for SH3TC2-related condition. Last evaluated: 2026-06-23. Review status: criteria provided, single submitter. Criteria: ACMG Guidelines, 2015. Collection method: clinical testing. Allele origin: germline.
Comment: This variant is classified as likely benign based on ACMG/AMP sequence variant interpretation guidelines (Richards et al. 2015 PMID: 25741868, with internal and published modifications).

Labcorp Genetics (formerly Invitae), Labcorp
Classification: Likely benign for Charcot-Marie-Tooth disease type 4. Last evaluated: 2024-11-02. Review status: criteria provided, single submitter. Criteria: Invitae Variant Classification Sherloc (09022015). Collection method: clinical testing. Allele origin: germline.

NM_024577.4(SH3TC2):c.2574C>T (p.Ser858=)

Gene: SH3TC2 (SH3 domain and tetratricopeptide repeats 2; minus strand). Cytogenetic location: 5q32.
Variant type: single nucleotide variant.
Coding change: c.2574C>T on transcript NM_024577.4 (MANE Select); coding-DNA position 2574, C replaced by T.
Protein change: p.Ser858=; no amino-acid change (serine 858 retained).
Molecular consequence: synonymous variant.
Genome position (GRCh38, 1-based): chr5:149,027,158, G>A on the plus strand (C>T on the coding strand, the complement: SH3TC2 is on the minus strand). VCF-style: chr5-149027158-G-A. GRCh37 (hg19) VCF-style: chr5-148406721-G-A.
Other names: c.2574C>T (NM_024577.3).
Identifiers: ClinVar variation 1097969 (VCV001097969.10), dbSNP rs200772521, ClinGen allele CA128984023.